The following is an entry in ClinVar:

ClinVar aggregate classification (germline): Uncertain significance. Review status: criteria provided, single submitter (1 of 4 stars). 2 submissions from 2 submitters: Uncertain significance (1). 1 of the submissions does not count toward it. Last evaluated 2024-11-23.

Conditions:
GABBR2-related disorder. Also called: GABBR2-related disorders; GABBR2-related condition.

Submissions (2):

GeneDx
Classification: Uncertain significance. Last evaluated: 2024-11-23. Review status: criteria provided, single submitter. Criteria: GeneDx Variant Classification Process June 2021. Collection method: clinical testing. Allele origin: germline. Affected: yes.
Comment: Not observed at significant frequency in large population cohorts (gnomAD); In silico analysis indicates that this missense variant does not alter protein structure/function; Has not been previously published as pathogenic or benign to our knowledge

PreventionGenetics, part of Exact Sciences
Classification: Uncertain significance for GABBR2-related condition. Last evaluated: 2024-03-07. Review status: no assertion criteria provided. Collection method: clinical testing. Allele origin: germline. Not counted in ClinVar's aggregate classification.
Comment: The GABBR2 c.1118T>C variant is predicted to result in the amino acid substitution p.Met373Thr. To our knowledge, this variant has not been reported in the literature or in a large population database, indicating this variant is rare. At this time, the clinical significance of this variant is uncertain due to the absence of conclusive functional and genetic evidence.

NM_005458.8(GABBR2):c.1118T>C (p.Met373Thr)

Gene: GABBR2 (gamma-aminobutyric acid type B receptor subunit 2; minus strand). Cytogenetic location: 9q22.33.
Variant type: single nucleotide variant.
Coding change: c.1118T>C on transcript NM_005458.8 (MANE Select); coding-DNA position 1118, T replaced by C.
Protein change: p.Met373Thr; replaces methionine 373 with threonine.
Molecular consequence: missense variant.
Genome position (GRCh38, 1-based): chr9:98,454,099, A>G on the plus strand (T>C on the coding strand, the complement: GABBR2 is on the minus strand). VCF-style: chr9-98454099-A-G. GRCh37 (hg19) VCF-style: chr9-101216381-A-G.
Other names: short protein forms M373T.
Identifiers: ClinVar variation 3348825 (VCV003348825.2).
Genomic context (GRCh38, chr9:98,454,099, plus strand): 5'-TGGTCCGTGTAGTTGAAGTCCTGGATCCGCTGGTGCCGGCTGCTGGCATGCAGTGTCTCC[A>G]TGGCCCTCTGCAGTGTCTTGGCGATGACCCAGATGCCATCGTAGGCGTACCCGTGGAACT-3'
Protein context (NP_005449.5, residues 363-383): WVIAKTLQRA[Met373Thr]ETLHASSRHQ